The following is an entry in ClinVar:

ClinVar aggregate classification (germline): Conflicting classifications of pathogenicity. Review status: criteria provided, conflicting classifications (1 of 4 stars). 6 submissions from 6 submitters: Uncertain significance (5); Likely benign (1). Last evaluated 2025-12-21.

Conditions:
Epidermolysis bullosa simplex with nail dystrophy (EBS5D). Identifiers: MedGen C4225309, MONDO:0014661, OMIM 616487.
Epidermolysis bullosa simplex 5B, with muscular dystrophy (EBS5B). Also called: Epidermolysis bullosa simplex with muscular dystrophy; EPIDERMOLYSIS BULLOSA SIMPLEX AND LIMB-GIRDLE MUSCULAR DYSTROPHY. Identifiers: Orphanet 257, MedGen C2931072, MONDO:0009181, OMIM 226670.
Autosomal recessive limb-girdle muscular dystrophy type 2Q (LGMDR17). Also called: MUSCULAR DYSTROPHY, LIMB-GIRDLE, AUTOSOMAL RECESSIVE 17. Identifiers: Orphanet 254361, MedGen C3150989, MONDO:0013390, OMIM 613723.
Epidermolysis bullosa simplex 5C, with pyloric atresia (EBS5C). Also called: PLEC1-Related Epidermolysis Bullosa with Pyloric Atresia; PLEC-Related Epidermolysis Bullosa with Pyloric Atresia; Epidermolysis bullosa simplex with pyloric atresia. Identifiers: Orphanet 158684, MedGen C2677349, MONDO:0012807, OMIM 612138.
Junctional epidermolysis bullosa with pyloric atresia. Also called: ITGB4-Related Epidermolysis Bullosa with Pyloric Atresia; Epidermolysis bullosa, junctional, with pyloric atresia and aplasia cutis congenita; Epidermolysis bullosa junctionalis with pyloric atresia; APLASIA CUTIS CONGENITA WITH GASTROINTESTINAL ATRESIA; CARMI SYNDROME; Junctional Epidermolysis Bullosa- Pyloric Atresia Syndrome. Identifiers: Orphanet 79403, MedGen C5676875, MONDO:0009183, OMIM 226730.
Epidermolysis bullosa simplex, Ogna type (EBS5A). Also called: EPIDERMOLYSIS BULLOSA SIMPLEX 5A, OGNA TYPE; Pidermolysis bullosa simplex 5A, Ogna type. Identifiers: Orphanet 79401, MedGen C0432317, MONDO:0007555, OMIM 131950.

Allele frequency attached by ClinVar (database versions not stated): gnomAD exomes 0.00007; ExAC 0.00008; TOPMed 0.00009; gnomAD 0.00011 and 0.00012; ESP Exome Variant Server 0.00016.
gnomAD v4.1: 94 of 1,612,946 alleles (0.0058%); highest among the groups gnomAD compares: African/African-American, 0.017%; no homozygotes.

Submissions (6):

Labcorp Genetics (formerly Invitae), Labcorp
Classification: Uncertain significance for Autosomal recessive limb-girdle muscular dystrophy type 2Q; Epidermolysis bullosa simplex, Ogna type; Epidermolysis bullosa simplex with nail dystrophy; Epidermolysis bullosa simplex 5C, with pyloric atresia; Epidermolysis bullosa simplex 5B, with muscular dystrophy. Last evaluated: 2025-12-21. Review status: criteria provided, single submitter. Criteria: Invitae Variant Classification Sherloc (09022015). Collection method: clinical testing. Allele origin: germline.
Comment: This sequence change replaces threonine, which is neutral and polar, with methionine, which is neutral and non-polar, at codon 3716 of the PLEC protein (p.Thr3716Met). This variant is present in population databases (rs377252521, gnomAD 0.01%). This missense change has been observed in individual(s) with myopathy (internal data). ClinVar contains an entry for this variant (Variation ID: 196848). An algorithm developed to predict the effect of missense changes on protein structure and function (PolyPhen-2) suggests that this variant is likely to be disruptive. In summary, the available evidence is currently insufficient to determine the role of this variant in disease. Therefore, it has been classified as a Variant of Uncertain Significance.

Revvity Omics, Revvity
Classification: Uncertain significance. Last evaluated: 2025-02-10. Review status: criteria provided, single submitter. Criteria: ACMG Guidelines, 2015. Collection method: clinical testing. Allele origin: germline.

Blueprint Genetics
Classification: Likely benign. Last evaluated: 2024-10-25. Review status: criteria provided, single submitter. Criteria: ACMG Guidelines, 2015. Collection method: clinical testing. Allele origin: germline.

GeneDx
Classification: Uncertain significance. Last evaluated: 2022-06-29. Review status: criteria provided, single submitter. Criteria: GeneDx Variant Classification Process June 2021. Collection method: clinical testing. Allele origin: germline. Affected: yes.
Comment: Not observed at significant frequency in large population cohorts (gnomAD); In silico analysis supports that this missense variant has a deleterious effect on protein structure/function; Missense variant in a gene in which most reported pathogenic variants are truncating/loss of function; Has not been previously published as pathogenic or benign to our knowledge

Fulgent Genetics
Classification: Uncertain significance for Epidermolysis bullosa simplex, Ogna type; Epidermolysis bullosa simplex 5B, with muscular dystrophy; Junctional epidermolysis bullosa with pyloric atresia; Epidermolysis bullosa simplex 5C, with pyloric atresia; Autosomal recessive limb-girdle muscular dystrophy type 2Q; Epidermolysis bullosa simplex with nail dystrophy. Last evaluated: 2018-10-31. Review status: criteria provided, single submitter. Criteria: ACMG Guidelines, 2015. Collection method: clinical testing. Allele origin: unknown.

Eurofins Ntd Llc (ga)
Classification: Uncertain significance. Last evaluated: 2014-11-17. Review status: criteria provided, single submitter. Criteria: EGL Classification Definitions 2015. Collection method: clinical testing. Allele origin: germline. Observed: 4 variant alleles, 4 heterozygotes.

NM_201384.3(PLEC):c.11066C>T (p.Thr3689Met)

Gene: PLEC (plectin; minus strand). Cytogenetic location: 8q24.3.
Variant type: single nucleotide variant.
Coding change: c.11066C>T on transcript NM_201384.3 (MANE Select); coding-DNA position 11066, C replaced by T.
Protein change: p.Thr3689Met; replaces threonine 3689 with methionine.
Molecular consequence: missense variant.
Genome position (GRCh38, 1-based): chr8:143,918,755, G>A on the plus strand (C>T on the coding strand, the complement: PLEC is on the minus strand). VCF-style: chr8-143918755-G-A. GRCh37 (hg19) VCF-style: chr8-144992923-G-A.
Other names: c.11147C>T, p.Thr3716Met (NM_000445.5); c.11024C>T, p.Thr3675Met (NM_201378.4); c.11000C>T, p.Thr3667Met (NM_201379.3); c.11477C>T, p.Thr3826Met (NM_201380.4); c.10970C>T, p.Thr3657Met (NM_201381.3); c.11066C>T, p.Thr3689Met (NM_201382.4); c.11078C>T, p.Thr3693Met (NM_201383.3); short protein forms T3657M, T3667M, T3675M, T3689M, T3693M, T3716M, T3826M.
Identifiers: ClinVar variation 196848 (VCV000196848.20), dbSNP rs377252521, ClinGen allele CA244532.